The following is an entry in ClinVar:

ClinVar aggregate classification (germline): Pathogenic (1 of 4 stars; one submission).

Conditions:
Diamond-Blackfan anemia. Also called: Blackfan Diamond syndrome; Aregenerative anemia chronic congenital; Red cell aplasia, pure hereditary; Congenital hypoplastic anemia; Aase syndrome. Identifiers: Orphanet 124, MedGen C1260899, MeSH D029503, MONDO:0015253, HP:0004810.
GATA binding protein 1 related thrombocytopenia with dyserythropoiesis. Also called: GATA1-Related Cytopenia; GATA1-Related X-Linked Cytopenia. Identifiers: MedGen C1845837, MONDO:0100089.

Submission:

Labcorp Genetics (formerly Invitae), Labcorp
Classification: Pathogenic for GATA binding protein 1 related thrombocytopenia with dyserythropoiesis; Diamond-Blackfan anemia. Last evaluated: 2025-11-25. Review status: criteria provided, single submitter. Criteria: Invitae Variant Classification Sherloc (09022015). Collection method: clinical testing. Allele origin: germline.
Comment: This sequence change creates a premature translational stop signal (p.Asn238Thrfs*11) in the GATA1 gene. It is expected to result in an absent or disrupted protein product. Loss-of-function variants in GATA1 are known to be pathogenic (PMID: 16783379, 22706301, 23704091, 24453067). This variant is not present in population databases (gnomAD no frequency). This variant has not been reported in the literature in individuals affected with GATA1-related conditions. For these reasons, this variant has been classified as Pathogenic.

Literature cited by the submitters: PubMed 16783379; PubMed 22706301; PubMed 23704091; PubMed 24453067.

NM_002049.4(GATA1):c.713del (p.Asn238fs)

Gene: GATA1 (GATA binding protein 1; plus strand). Cytogenetic location: Xp11.23.
Variant type: Deletion.
Coding change: c.713del on transcript NM_002049.4 (MANE Select); coding-DNA position 713, one base deleted (A; older notation c.713delA).
Protein change: p.Asn238fs; shifts the reading frame from asparagine 238.
Molecular consequence: frameshift variant.
Genome position (GRCh38, 1-based): chrX:48,792,437, A deleted; the last of 2 consecutive A bases (chrX:48,792,436-48,792,437); deleting either gives the same sequence. VCF-style (leftmost placement, unchanged base first): chrX-48792435-GA-G. GRCh37 (hg19) VCF-style: chrX-48650842-GA-G.
Other names: short protein forms N238fs.
Identifiers: ClinVar variation 4786814 (VCV004786814.1).